The following is an entry in ClinVar:

NM_024675.4(PALB2):c.1843C>A (p.Pro615Thr)

Gene: PALB2 (partner and localizer of BRCA2; minus strand). Cytogenetic location: 16p12.2.
Variant type: single nucleotide variant.
Coding change: c.1843C>A on transcript NM_024675.4 (MANE Select); coding-DNA position 1843, C replaced by A.
Protein change: p.Pro615Thr; replaces proline 615 with threonine.
Molecular consequence: missense variant.
Genome position (GRCh38, 1-based): chr16:23,630,311, G>T on the plus strand (C>A on the coding strand, the complement: PALB2 is on the minus strand). VCF-style: chr16-23630311-G-T. GRCh37 (hg19) VCF-style: chr16-23641632-G-T.
Other names: short protein forms P615T.
Identifiers: ClinVar variation 492171 (VCV000492171.17), dbSNP rs1019525144, ClinGen allele CA395127837.

ClinVar aggregate classification (germline): Uncertain significance. Review status: criteria provided, multiple submitters, no conflicts (2 of 4 stars). 3 submissions from 3 submitters: Uncertain significance (3). Last evaluated 2025-07-03.

Conditions:
Hereditary cancer-predisposing syndrome. Also called: Hereditary neoplastic syndrome; Tumor predisposition; Hereditary Cancer Syndrome; Neoplastic Syndromes, Hereditary. Identifiers: Orphanet 140162, MedGen C0027672, MeSH D009386, MONDO:0015356.
Familial cancer of breast. Also called: Hereditary breast cancer; hereditary breast carcinoma; BREAST CANCER, FAMILIAL. Identifiers: Orphanet 227535, MedGen C0346153, MONDO:0016419, OMIM 114480. Disease mechanism: loss of function.

Allele frequency attached by ClinVar (database versions not stated): gnomAD 0.00001.
gnomAD v4.1: 1 of 1,614,150 alleles (0.000062%); highest among the groups gnomAD compares: Non-Finnish European, 0.000085%; no homozygotes.

Submissions (3):

Labcorp Genetics (formerly Invitae), Labcorp
Classification: Uncertain significance for Familial cancer of breast. Last evaluated: 2025-07-03. Review status: criteria provided, single submitter. Criteria: Invitae Variant Classification Sherloc (09022015). Collection method: clinical testing. Allele origin: germline.
Comment: This sequence change replaces proline, which is neutral and non-polar, with threonine, which is neutral and polar, at codon 615 of the PALB2 protein (p.Pro615Thr). This variant is not present in population databases (gnomAD no frequency). This variant has not been reported in the literature in individuals affected with PALB2-related conditions. ClinVar contains an entry for this variant (Variation ID: 492171). Invitae Evidence Modeling of protein sequence and biophysical properties (such as structural, functional, and spatial information, amino acid conservation, physicochemical variation, residue mobility, and thermodynamic stability) indicates that this missense variant is expected to disrupt PALB2 protein function with a positive predictive value of 80%. In summary, the available evidence is currently insufficient to determine the role of this variant in disease. Therefore, it has been classified as a Variant of Uncertain Significance.

Ambry Genetics
Classification: Uncertain significance for Hereditary cancer-predisposing syndrome. Last evaluated: 2024-05-18. Review status: criteria provided, single submitter. Criteria: Ambry Variant Classification Scheme 2023. Collection method: clinical testing. Allele origin: germline.
Comment: The p.P615T variant (also known as c.1843C>A), located in coding exon 5 of the PALB2 gene, results from a C to A substitution at nucleotide position 1843. The proline at codon 615 is replaced by threonine, an amino acid with highly similar properties. This amino acid position is highly conserved in available vertebrate species. In addition, the in silico prediction for this alteration is inconclusive. Since supporting evidence is limited at this time, the clinical significance of this alteration remains unclear.

Color Diagnostics, LLC DBA Color Health
Classification: Uncertain significance for Hereditary cancer-predisposing syndrome. Last evaluated: 2024-03-06. Review status: criteria provided, single submitter. Criteria: ACMG Guidelines, 2015. Collection method: clinical testing. Allele origin: germline.
Comment: This missense variant replaces proline with threonine at codon 615 of the PALB2 protein. Computational prediction suggests that this variant may not impact protein structure and function (internally defined REVEL score threshold <= 0.5, PMID: 27666373). To our knowledge, functional studies have not been reported for this variant. This variant has not been reported in individuals affected with hereditary cancer in the literature. This variant has not been identified in the general population by the Genome Aggregation Database (gnomAD). The available evidence is insufficient to determine the role of this variant in disease conclusively. Therefore, this variant is classified as a Variant of Uncertain Significance.